The following is an entry in ClinVar:

ClinVar aggregate classification (germline): Conflicting classifications of pathogenicity. Review status: criteria provided, conflicting classifications (1 of 4 stars). 5 submissions from 5 submitters: Uncertain significance (2); Likely benign (2). 1 of the submissions does not count toward it. Last evaluated 2026-01-28.

Conditions:
Inborn genetic diseases. Identifiers: MedGen C0950123, MeSH D030342.
GLB1-related disorder. Also called: GLB1-related disorders. Identifiers: MedGen CN377807.
Mucopolysaccharidosis, MPS-IV-B (MPS4B). Also called: MORQUIO SYNDROME B; Mucopolysaccharidosis Type IVB; Mucopolysaccharidosis type IV B; Mucopolysaccharidosis type 4B; Mucopolysaccharidosis Type IVB (Morquio B Disease); Mucopolysaccharidosis type IVB (Morquio). Identifiers: Orphanet 309310, Orphanet 582, MedGen C0086652, MONDO:0009660, OMIM 253010.
GM1 gangliosidosis. Identifiers: Orphanet 354, MedGen C0085131, MONDO:0018149.
GM1 gangliosidosis type 3. Also called: GM1-GANGLIOSIDOSIS, TYPE III; GANGLIOSIDOSIS, GENERALIZED GM1, ADULT TYPE; GANGLIOSIDOSIS, GENERALIZED GM1, CHRONIC TYPE; GANGLIOSIDOSIS, GENERALIZED GM1, TYPE III; Beta-galactosidase deficiency; Adult GM1 gangliosidosis. Identifiers: Orphanet 79257, MedGen C0268273, MONDO:0009262, OMIM 230650.
Infantile GM1 gangliosidosis. Also called: Gangliosidosis, Generalized GM1, Type 1; GM1-gangliosidosis, type I; Gangliosidosis, generalized GM1, infantile form; GLB1 deficiency; GM1 gangliosidosis type 1. Identifiers: Orphanet 354, Orphanet 79255, MedGen C0268271, MONDO:0009260, OMIM 230500.
GM1 gangliosidosis type 2. Also called: GM1-GANGLIOSIDOSIS, TYPE II; GANGLIOSIDOSIS, GENERALIZED GM1, JUVENILE TYPE; GANGLIOSIDOSIS, GENERALIZED GM1, TYPE II; Juvenile GM>1< gangliosidosis; Gangliosidosis, Generalized GM1, Type 2. Identifiers: Orphanet 354, Orphanet 79256, MedGen C0268272, MONDO:0009261, OMIM 230600.

Allele frequency attached by ClinVar (database versions not stated): ExAC 0.00025; 1000 Genomes Project 30x 0.00047; ESP Exome Variant Server 0.00049; 1000 Genomes Project 0.00060; gnomAD 0.00087 and 0.00095; TOPMed 0.00088.
gnomAD v4.1: 280 of 1,614,168 alleles (0.017%); highest among the groups gnomAD compares: African/African-American, 0.29%; no homozygotes.

Submissions (5):

Labcorp Genetics (formerly Invitae), Labcorp
Classification: Likely benign for Mucopolysaccharidosis, MPS-IV-B; GM1 gangliosidosis. Last evaluated: 2026-01-28. Review status: criteria provided, single submitter. Criteria: Invitae Variant Classification Sherloc (09022015). Collection method: clinical testing. Allele origin: germline.

Ambry Genetics
Classification: Likely benign for Inborn genetic diseases. Last evaluated: 2025-04-16. Review status: criteria provided, single submitter. Criteria: Ambry Variant Classification Scheme 2023. Collection method: clinical testing. Allele origin: germline.

Fulgent Genetics
Classification: Uncertain significance for Infantile GM1 gangliosidosis; GM1 gangliosidosis type 2; GM1 gangliosidosis type 3; Mucopolysaccharidosis, MPS-IV-B. Last evaluated: 2018-10-31. Review status: criteria provided, single submitter. Criteria: ACMG Guidelines, 2015. Collection method: clinical testing. Allele origin: unknown.

GeneDx
Classification: Uncertain significance. Last evaluated: 2017-07-26. Review status: criteria provided, single submitter. Criteria: GeneDx Variant Classification (06012015). Collection method: clinical testing. Allele origin: germline. Affected: yes.
Comment: The R530C variant in the GLB1 gene has not been reported previously as a pathogenic variant, nor as a benign variant, to our knowledge. While not observed in the homozygous state, this variant is observed in 26/9804 (0.26%) alleles from individuals of African background in the ExAC dataset (Lek et al., 2016). The R530C variant is a non-conservative amino acid substitution, which is likely to impact secondary protein structure as these residues differ in polarity, charge, size and/or other properties. This substitution occurs at a position that is not conserved. In silico analysis is inconsistent in its predictions as to whether or not the variant is damaging to the protein structure/function. We interpret R530C as a variant of uncertain significance.

PreventionGenetics, part of Exact Sciences
Classification: Likely benign for GLB1-related condition. Last evaluated: 2022-10-12. Review status: no assertion criteria provided. Collection method: clinical testing. Allele origin: germline. Not counted in ClinVar's aggregate classification.
Comment: This variant is classified as likely benign based on ACMG/AMP sequence variant interpretation guidelines (Richards et al. 2015 PMID: 25741868, with internal and published modifications).

NM_000404.4(GLB1):c.1588C>T (p.Arg530Cys)

Gene: GLB1 (galactosidase beta 1; minus strand). Cytogenetic location: 3p22.3.
Variant type: single nucleotide variant.
Coding change: c.1588C>T on transcript NM_000404.4 (MANE Select); coding-DNA position 1588, C replaced by T.
Protein change: p.Arg530Cys; replaces arginine 530 with cysteine.
Molecular consequence: missense variant.
Genome position (GRCh38, 1-based): chr3:33,014,202, G>A on the plus strand (C>T on the coding strand, the complement: GLB1 is on the minus strand). VCF-style: chr3-33014202-G-A. GRCh37 (hg19) VCF-style: chr3-33055694-G-A.
Other names: c.1588C>T (NM_000404.3); c.1498C>T, p.Arg500Cys (NM_001079811.3); c.1195C>T, p.Arg399Cys (NM_001135602.3); c.1732C>T, p.Arg578Cys (NM_001317040.2); c.1588C>T, p.Arg530Cys (NM_001393580.1); short protein forms R530C, R399C, R500C, R578C.
Identifiers: ClinVar variation 450616 (VCV000450616.16), dbSNP rs371397760, ClinGen allele CA2299352.
Genomic context (GRCh38, chr3:33,014,202, plus strand): 5'-CCGGGAGCGTGTAGTTGGATGAGTTGTGGGCCCAGGCTTCATCATGGTGGCCACTGTCAC[G>A]GTGTCCCCAGCCCCCCAGGTGGCTGCACACTGCATCCTCAGTGTCCAGTGGAAAGATCGT-3'
Protein context (NP_000395.3, residues 520-540): VCSHLGGWGH[Arg530Cys]DSGHHDEAWA